The following is an entry in ClinVar:

ClinVar aggregate classification (germline): Pathogenic. Review status: reviewed by expert panel (3 of 4 stars). 12 submissions from 12 submitters: Pathogenic (1). 11 of the submissions do not count toward it. Last evaluated 2016-09-08.

Conditions:
Breast and/or ovarian cancer. Identifiers: MedGen CN221562.
Hereditary cancer-predisposing syndrome. Also called: Tumor predisposition; Neoplastic Syndromes, Hereditary; Hereditary Cancer Syndrome; Hereditary neoplastic syndrome. Identifiers: Orphanet 140162, MedGen C0027672, MeSH D009386, MONDO:0015356.
Hereditary breast ovarian cancer syndrome. Also called: Hereditary breast and ovarian cancer syndrome (HBOC); Hereditary breast and ovarian cancer syndrome; Hereditary breast and ovarian cancer; Hereditary breast and/or ovarian cancer syndrome; Breast and ovarian cancer; BRCA1- and BRCA2-Associated Hereditary Breast and Ovarian Cancer. Identifiers: Orphanet 145, MedGen C0677776, MeSH D061325, MONDO:0003582. Disease mechanism: loss of function.
Breast-ovarian cancer, familial, susceptibility to, 1 (BROVCA1). Also called: OVARIAN CANCER, SUSCEPTIBILITY TO; BRCA1 Hereditary Breast and Ovarian Cancer. Identifiers: Orphanet 145, MedGen C2676676, MONDO:0011450, OMIM 604370. Disease mechanism: loss of function.

Allele frequency attached by ClinVar (database versions not stated): gnomAD exomes below 0.00001; ExAC 0.00001.

Submissions (12):

Evidence-based Network for the Interpretation of Germline Mutant Alleles (ENIGMA)
Classification: Pathogenic for Breast-ovarian cancer, familial, susceptibility to, 1. Last evaluated: 2016-09-08. Review status: reviewed by expert panel. Criteria: ENIGMA BRCA1/2 Classification Criteria (2015). Collection method: curation. Allele origin: germline.
Comment: Variant allele predicted to encode a truncated non-functional protein.

Ambry Genetics
Classification: Pathogenic for Hereditary cancer-predisposing syndrome. Last evaluated: 2025-09-19. Review status: criteria provided, single submitter. Criteria: Ambry Variant Classification Scheme 2023. Collection method: clinical testing. Allele origin: germline. Not counted in ClinVar's aggregate classification.
Comment: The c.1510delC pathogenic mutation, located in coding exon 9 of the BRCA1 gene, results from a deletion of one nucleotide at nucleotide position 1510, causing a translational frameshift with a predicted alternate stop codon (p.R504Vfs*28). This alteration is expected to result in loss of function by premature protein truncation or nonsense-mediated mRNA decay. As such, this alteration is interpreted as a disease-causing mutation.

Labcorp Genetics (formerly Invitae), Labcorp
Classification: Pathogenic for Hereditary breast ovarian cancer syndrome. Last evaluated: 2025-02-27. Review status: criteria provided, single submitter. Criteria: Invitae Variant Classification Sherloc (09022015). Collection method: clinical testing. Allele origin: germline. Not counted in ClinVar's aggregate classification.
Comment: This sequence change creates a premature translational stop signal (p.Arg504Valfs*28) in the BRCA1 gene. It is expected to result in an absent or disrupted protein product. Loss-of-function variants in BRCA1 are known to be pathogenic (PMID: 20104584). This variant is not present in population databases (gnomAD no frequency). This premature translational stop signal has been observed in individual(s) with hereditary breast and ovarian cancer (PMID: 18489799, 26689913, 30014164). ClinVar contains an entry for this variant (Variation ID: 37418). For these reasons, this variant has been classified as Pathogenic.

Women's Health and Genetics/Laboratory Corporation of America, LabCorp
Classification: Pathogenic for Hereditary breast ovarian cancer syndrome. Last evaluated: 2023-08-24. Review status: criteria provided, single submitter. Criteria: LabCorp Variant Classification Summary - May 2015. Collection method: clinical testing. Allele origin: germline. Not counted in ClinVar's aggregate classification.
Comment: Variant summary: BRCA1 c.1510delC (p.Arg504ValfsX28) results in a premature termination codon, predicted to cause a truncation of the encoded protein or absence of the protein due to nonsense mediated decay, which are commonly known mechanisms for disease. The variant allele was found at a frequency of 4e-06 in 251044 control chromosomes. c.1510delC has been reported in the literature in individuals affected with Hereditary Breast And Ovarian Cancer Syndrome (e.g. Judkins_2005, Machackova_2008, Sokolenko_2009, Solano_2012). These data indicate that the variant is likely to be associated with disease. The following publications have been ascertained in the context of this evaluation (PMID: 16267036, 18489799, 23961350, 19338681). Seven submitters have cited clinical-significance assessments for this variant to ClinVar after 2014. All submitters, including an expert panel, classified the variant as pathogenic. Based on the evidence outlined above, the variant was classified as pathogenic.

Color Diagnostics, LLC DBA Color Health
Classification: Pathogenic for Hereditary cancer-predisposing syndrome. Last evaluated: 2022-06-21. Review status: criteria provided, single submitter. Criteria: ACMG Guidelines, 2015. Collection method: clinical testing. Allele origin: germline. Not counted in ClinVar's aggregate classification.
Comment: This variant deletes 1 nucleotide in exon 10 of the BRCA1 gene, creating a frameshift and premature translation stop signal. This variant is expected to result in an absent or non-functional protein product. To our knowledge, functional studies have not been reported for this variant. This variant has been observed in multiple individuals and families affected with breast and ovarian cancer (PMID: 18489799, 19338681, 20960228, 23961350, 30040829, 32772980, 34680878, DOI:10.24075/brsmu.2021.006; Color internal data). This variant has been identified in 1/251044 chromosomes in the general population by the Genome Aggregation Database (gnomAD). Loss of BRCA1 function is a known mechanism of disease. Based on the available evidence, this variant is classified as Pathogenic.

Quest Diagnostics Nichols Institute San Juan Capistrano
Classification: Pathogenic. Last evaluated: 2019-06-02. Review status: criteria provided, single submitter. Criteria: Quest Diagnostics criteria. Collection method: clinical testing. Allele origin: germline. Not counted in ClinVar's aggregate classification.
Comment: The variant results in a shift of the reading frame, and is therefore predicted to result in the loss of a functional protein. Found in at least one symptomatic patient, and found in general population data that is consistent with pathogenicity.

Consortium of Investigators of Modifiers of BRCA1/2 (CIMBA), c/o University of Cambridge
Classification: Pathogenic for Breast-ovarian cancer, familial, susceptibility to, 1. Last evaluated: 2015-10-02. Review status: criteria provided, single submitter. Criteria: CIMBA Mutation Classification guidelines May 2016. Collection method: clinical testing. Allele origin: germline. Not counted in ClinVar's aggregate classification.

CZECANCA consortium
Classification: Pathogenic for Breast and/or ovarian cancer. Last evaluated: 2019-06-11. Review status: no assertion criteria provided. Collection method: clinical testing. Allele origin: germline. Affected: yes. Observed: 1 variant allele. Not counted in ClinVar's aggregate classification.

Research Molecular Genetics Laboratory, Women's College Hospital, University of Toronto
Classification: Pathogenic for Hereditary breast ovarian cancer syndrome. Last evaluated: 2014-01-31. Review status: no assertion criteria provided. Collection method: research. Allele origin: germline. Affected: yes. Study: The Canadian Open Genetics Repository (COGR). Not counted in ClinVar's aggregate classification.

Sharing Clinical Reports Project (SCRP)
Classification: Pathogenic for Breast-ovarian cancer, familial 1. Last evaluated: 2011-08-17. Review status: no assertion criteria provided. Collection method: clinical testing. Allele origin: germline. Not counted in ClinVar's aggregate classification.

Breast Cancer Information Core (BIC) (BRCA1)
Classification: Pathogenic for Breast-ovarian cancer, familial 1. Last evaluated: 2006-07-19. Review status: no assertion criteria provided. Collection method: clinical testing. Allele origin: germline. Affected: yes. Observed: 2 variant alleles. Not counted in ClinVar's aggregate classification.

Department of Pathology and Laboratory Medicine, Sinai Health System
Classification: Pathogenic for Breast-ovarian cancer, familial, susceptibility to, 1. Review status: no assertion criteria provided. Collection method: clinical testing. Allele origin: unknown. Affected: yes. Study: The Canadian Open Genetics Repository (COGR). Not counted in ClinVar's aggregate classification.
Comment: The BRCA1 p.Arg504ValfsX28 variant was identified in 1 of 2020 proband chromosomes (frequency: 0.0005) from individuals or families with breast and/or ovarian cancer (Machackova 2008). The variant was also identified in dbSNP (ID: rs80357908) as â€šÃ„ÃºWith Pathogenic alleleâ€šÃ„Ã¹, ClinVar and Clinvitae (7x classified as pathogenic by University of Cambridge, COGR, Ambry Genetics, BIC, SCRP, Women's College Hospital, ENIGMA; 1x classification not given by Invitae), GeneInsight-COGR (classified as pathogenic), LOVD 3.0 (1x classified as affects function by ENIGMA), UMD-LSDB (classified as causal), BIC Database (2x classified as pathogenic), and ARUP Laboratories (1x classified as definitely pathogenic). The variant was not identified in the following databases: COSMIC, MutDB, Zhejiang Colon Cancer Database, 1000 Genomes Project, NHLBI GO Exome Sequencing Project or the Genome Aggregation Database. The variant was identified in control databases in 1 of 121170 chromosomes at a frequency of 0.000008 in the following populations: European non-Finnish in 1 of 66608 chromosomes at a frequency of 0.000015 (Exome Aggregation Consortium, March 14, 2016). The c.1510delC variant is predicted to cause a frameshift, which alters the protein's amino acid sequence beginning at codon 504 and leads to a premature stop codon 28 codons downstream. This alteration is then predicted to result in a truncated or absent protein and loss of function. Loss of function variants of the BRCA1 gene are an established mechanism of disease in hereditary breast and ovarian cancer and is the type of variant expected to cause the disorder. In summary, based on the above information this variant meets our laboratoryâ€šÃ„Ã´s criteria to be classified as pathogenic.

Literature cited by the submitters: PubMed 20104584 (cited by Labcorp Genetics (formerly Invitae), Labcorp); PubMed 18489799 (cited by 4 submitters); PubMed 26689913 (cited by Labcorp Genetics (formerly Invitae), Labcorp); PubMed 30014164 (cited by Labcorp Genetics (formerly Invitae), Labcorp); PubMed 16267036 (cited by Women's Health and Genetics/Laboratory Corporation of America, LabCorp); PubMed 23961350 (cited by 3 submitters); PubMed 19338681 (cited by Women's Health and Genetics/Laboratory Corporation of America, LabCorp and Color Diagnostics, LLC DBA Color Health); PubMed 20960228 (cited by Color Diagnostics, LLC DBA Color Health and Quest Diagnostics Nichols Institute San Juan Capistrano); PubMed 30040829 (cited by Color Diagnostics, LLC DBA Color Health); PubMed 32772980 (cited by Color Diagnostics, LLC DBA Color Health); PubMed 34680878 (cited by Color Diagnostics, LLC DBA Color Health); PubMed 29446198 (cited by Quest Diagnostics Nichols Institute San Juan Capistrano); PubMed 32295079 (cited by CZECANCA consortium).

NM_007294.4(BRCA1):c.1510del (p.Arg504fs)

Gene: BRCA1 (BRCA1 DNA repair associated; minus strand). Cytogenetic location: 17q21.31.
Variant type: Deletion.
Coding change: c.1510del on transcript NM_007294.4 (MANE Select); coding-DNA position 1510, one base deleted (C; older notation c.1510delC).
Protein change: p.Arg504fs; shifts the reading frame from arginine 504.
Molecular consequence: frameshift variant. On other transcripts: intron variant (137).
Genome position (GRCh38, 1-based): chr17:43,094,021, G deleted on the plus strand (C on the coding strand, the reverse complement: BRCA1 is on the minus strand). VCF-style (leftmost placement, unchanged base first): chr17-43094020-CG-C. GRCh37 (hg19) VCF-style: chr17-41246037-CG-C.
Other names: 1629delC; c.1510delC (NM_007294.4); c.1297del, p.Arg433fs (NM_001407571.1, NM_001407853.1, NM_001407894.1 and 9 more transcripts); c.1510del, p.Arg504fs (NM_001407581.1, NM_001407582.1, NM_001407583.1 and 30 more transcripts); c.1507del, p.Arg503fs (NM_001407587.1, NM_001407590.1, NM_001407591.1 and 22 more transcripts); c.1501del, p.Arg501fs (NM_001407646.1, NM_001407647.1); c.1387del, p.Arg463fs (NM_001407648.1, NM_001407664.1, NM_001407665.1 and 19 more transcripts); c.1384del, p.Arg462fs (NM_001407649.1, NM_001407670.1, NM_001407671.1 and 11 more transcripts); and 42 more; short protein forms R457fs, R504fs, R376fs, R433fs, R436fs, R393fs, R462fs, R477fs.
Identifiers: ClinVar variation 37418 (VCV000037418.27), dbSNP rs80357908, ClinGen allele CA353756.
Genomic context (GRCh38, chr17:43,094,020, plus strand): 5'-GCCAAATCTGCTTTCTTGATAAAATCCTCAGGATGAAGGCCTGATGTAGGTCTCCTTTTA[CG>C]CTTTAATTTATTTGTGAGGGGACGCTCTTGTATTATCTGTGGCTCAGTAACAAATGCTCC-3'